The following is an entry in ClinVar:

ClinVar aggregate classification (germline): Pathogenic/Likely pathogenic. Review status: criteria provided, multiple submitters, no conflicts (2 of 4 stars). 5 submissions from 5 submitters: Pathogenic (3); Likely pathogenic (2). Last evaluated 2025-06-03.

Conditions:
Hawkinsinuria. Identifiers: Orphanet 2118, MedGen C2931042, MONDO:0007700, OMIM 140350, HP:0034457.
Tyrosinemia type III. Also called: Tyrosinemia type 3; 4-alpha hydroxyphenylpyruvic acid oxidase deficiency; 4-alpha hydroxyphenylpyruvate dioxygenase deficiency; 4-Hydroxyphenylpyruvate dioxygenase deficiency; 4-HYDROXYPHENYLPYRUVIC ACID OXIDASE DEFICIENCY. Identifiers: Orphanet 69723, MedGen C0268623, MONDO:0010162, OMIM 276710.

Allele frequency attached by ClinVar (database versions not stated): gnomAD 0.00001; ExAC 0.00004; gnomAD exomes 0.00005.
gnomAD v4.1: 32 of 1,613,902 alleles (0.002%); highest among the groups gnomAD compares: South Asian, 0.033%; no homozygotes.

Submissions (5):

Labcorp Genetics (formerly Invitae), Labcorp
Classification: Pathogenic for Tyrosinemia type III; Hawkinsinuria. Last evaluated: 2025-06-03. Review status: criteria provided, single submitter. Criteria: Invitae Variant Classification Sherloc (09022015). Collection method: clinical testing. Allele origin: germline.
Comment: This sequence change creates a premature translational stop signal (p.Trp25*) in the HPD gene. It is expected to result in an absent or disrupted protein product. Loss-of-function variants in HPD are known to be pathogenic (PMID: 10942115, 23036342). This variant is present in population databases (rs367674632, gnomAD 0.04%). This variant has not been reported in the literature in individuals affected with HPD-related conditions. ClinVar contains an entry for this variant (Variation ID: 529468). For these reasons, this variant has been classified as Pathogenic.

GeneDx
Classification: Pathogenic. Last evaluated: 2025-03-03. Review status: criteria provided, single submitter. Criteria: GeneDx Variant Classification Process June 2021. Collection method: clinical testing. Allele origin: germline. Affected: yes.
Comment: Observed with a second HPD variant on the opposite allele (in trans) in a patient with tyrosinemia type III in published literature (Sarkargar2022_Article); Nonsense variant predicted to result in protein truncation or nonsense mediated decay in a gene for which loss of function is a known mechanism of disease; This variant is associated with the following publications: (PMID: 31589614, Sarkargar2022[Article])

Fulgent Genetics
Classification: Likely pathogenic for Hawkinsinuria; Tyrosinemia type III. Last evaluated: 2024-04-10. Review status: criteria provided, single submitter. Criteria: ACMG Guidelines, 2015. Collection method: clinical testing. Allele origin: germline.

Revvity Omics, Revvity
Classification: Likely pathogenic. Last evaluated: 2019-08-16. Review status: criteria provided, single submitter. Criteria: ACMG Guidelines, 2015. Collection method: clinical testing. Allele origin: germline.

Genomic Research Center, Shahid Beheshti University of Medical Sciences
Classification: Pathogenic for 4-Hydroxyphenylpyruvate dioxygenase deficiency. Last evaluated: 2018-08-07. Review status: criteria provided, single submitter. Criteria: ACMG Guidelines, 2015. Collection method: clinical testing. Allele origin: inherited. Affected: no. Observed: 1 variant allele.

Literature cited by the submitters: PubMed 10942115 (cited by Labcorp Genetics (formerly Invitae), Labcorp); PubMed 23036342 (cited by Labcorp Genetics (formerly Invitae), Labcorp).

NM_002150.3(HPD):c.75G>A (p.Trp25Ter)

Genes: HPD (4-hydroxyphenylpyruvate dioxygenase; minus strand), TIALD (transcript inducer of AURKA lysosomal degradation; plus strand). Cytogenetic location: 12q24.31.
Variant type: single nucleotide variant.
Coding change: c.75G>A on transcript NM_002150.3 (MANE Select); coding-DNA position 75, G replaced by A.
Protein change: p.Trp25Ter; replaces tryptophan 25 with a stop codon.
Molecular consequence: nonsense. On other transcripts: 5 prime UTR variant (1).
Genome position (GRCh38, 1-based): chr12:121,857,775, C>T on the plus strand (G>A on the coding strand, the complement: HPD is on the minus strand). VCF-style: chr12-121857775-C-T. GRCh37 (hg19) VCF-style: chr12-122295681-C-T.
Other names: c.-43G>A (NM_001171993.2); short protein forms W25*.
Identifiers: ClinVar variation 529468 (VCV000529468.14), dbSNP rs367674632, ClinGen allele CA6839849.